The following is an entry in ClinVar:

ClinVar aggregate classification (germline): Conflicting classifications of pathogenicity. Review status: criteria provided, conflicting classifications (1 of 4 stars). 9 submissions from 9 submitters: Uncertain significance (7); Likely benign (1). 1 of the submissions does not count toward it. Last evaluated 2026-02-02.

Conditions:
Familial cancer of breast. Also called: Hereditary breast cancer; hereditary breast carcinoma; BREAST CANCER, FAMILIAL. Identifiers: Orphanet 227535, MedGen C0346153, MONDO:0016419, OMIM 114480. Disease mechanism: loss of function.
Breast-ovarian cancer, familial, susceptibility to, 1 (BROVCA1). Also called: BRCA1 Hereditary Breast and Ovarian Cancer; OVARIAN CANCER, SUSCEPTIBILITY TO. Identifiers: Orphanet 145, MedGen C2676676, MONDO:0011450, OMIM 604370. Disease mechanism: loss of function.
Fanconi anemia, complementation group S (FANCS). Identifiers: MedGen C4554406, MONDO:0054748, OMIM 617883.
Hereditary cancer-predisposing syndrome. Also called: Tumor predisposition; Hereditary neoplastic syndrome; Hereditary Cancer Syndrome; Neoplastic Syndromes, Hereditary. Identifiers: Orphanet 140162, MedGen C0027672, MeSH D009386, MONDO:0015356.
Hereditary breast ovarian cancer syndrome. Also called: Hereditary breast and/or ovarian cancer syndrome; Breast and ovarian cancer; Hereditary breast and ovarian cancer syndrome; Hereditary breast and ovarian cancer; Hereditary breast and ovarian cancer syndrome (HBOC); BRCA1- and BRCA2-Associated Hereditary Breast and Ovarian Cancer. Identifiers: Orphanet 145, MedGen C0677776, MeSH D061325, MONDO:0003582. Disease mechanism: loss of function.

gnomAD v4.1: 13 of 1,613,960 alleles (0.00081%); highest among the groups gnomAD compares: Non-Finnish European, 0.001%; no homozygotes.

Submissions (9):

Labcorp Genetics (formerly Invitae), Labcorp
Classification: Uncertain significance for Hereditary breast ovarian cancer syndrome. Last evaluated: 2026-02-02. Review status: criteria provided, single submitter. Criteria: Invitae Variant Classification Sherloc (09022015). Collection method: clinical testing. Allele origin: germline.
Comment: This sequence change replaces glutamic acid, which is acidic and polar, with alanine, which is neutral and non-polar, at codon 781 of the BRCA1 protein (p.Glu781Ala). This variant is not present in population databases (gnomAD no frequency). This variant has not been reported in the literature in individuals affected with BRCA1-related conditions. ClinVar contains an entry for this variant (Variation ID: 156186). Invitae Evidence Modeling of protein sequence and biophysical properties (such as structural, functional, and spatial information, amino acid conservation, physicochemical variation, residue mobility, and thermodynamic stability) indicates that this missense variant is not expected to disrupt BRCA1 protein function with a negative predictive value of 80%. In summary, the available evidence is currently insufficient to determine the role of this variant in disease. Therefore, it has been classified as a Variant of Uncertain Significance.

Color Diagnostics, LLC DBA Color Health
Classification: Uncertain significance for Hereditary cancer-predisposing syndrome. Last evaluated: 2025-05-13. Review status: criteria provided, single submitter. Criteria: ACMG Guidelines, 2015. Collection method: clinical testing. Allele origin: germline.
Comment: This missense variant replaces glutamic acid with alanine at codon 781 of the BRCA1 protein. Computational prediction suggests that this variant may not impact protein structure and function. To our knowledge, functional studies have not been reported for this variant. This variant has not been reported in individuals affected with BRCA1-related disorders in the literature. This variant has not been identified in the general population by the Genome Aggregation Database (gnomAD). The available evidence is insufficient to determine the role of this variant in disease conclusively. Therefore, this variant is classified as a Variant of Uncertain Significance.

Ambry Genetics
Classification: Uncertain significance for Hereditary cancer-predisposing syndrome. Last evaluated: 2024-03-18. Review status: criteria provided, single submitter. Criteria: Ambry Variant Classification Scheme 2023. Collection method: clinical testing. Allele origin: germline.
Comment: The p.E781A variant (also known as c.2342A>C), located in coding exon 9 of the BRCA1 gene, results from an A to C substitution at nucleotide position 2342. The glutamic acid at codon 781 is replaced by alanine, an amino acid with dissimilar properties. This amino acid position is not well conserved in available vertebrate species. In addition, the in silico prediction for this alteration is inconclusive. Since supporting evidence is limited at this time, the clinical significance of this alteration remains unclear.

All of Us Research Program, National Institutes of Health
Classification: Uncertain significance for Breast-ovarian cancer, familial, susceptibility to, 1. Last evaluated: 2023-11-30. Review status: criteria provided, single submitter. Criteria: ACMG Guidelines, 2015. Collection method: clinical testing. Allele origin: germline. Inheritance: Autosomal dominant inheritance. Observed: 4 variant alleles, 4 heterozygotes.
Comment: This missense variant replaces glutamic acid with alanine at codon 781 of the BRCA1 protein. Computational prediction suggests that this variant may not impact protein structure and function (internally defined REVEL score threshold <= 0.5, PMID: 27666373). To our knowledge, functional studies have not been reported for this variant. This variant has not been reported in individuals affected with hereditary cancer in the literature. This variant has not been identified in the general population by the Genome Aggregation Database (gnomAD). The available evidence is insufficient to determine the role of this variant in disease conclusively. Therefore, this variant is classified as a Variant of Uncertain Significance.

This study involves interpretation of variants in research participants for the purpose of population health screening. Participant phenotype was not available at the time of variant classification. Additional details can be found in publication PMID: 35346344, PMCID: PMC8962531

University of Washington Department of Laboratory Medicine, University of Washington
Classification: Likely benign for Hereditary cancer-predisposing syndrome. Last evaluated: 2023-03-23. Review status: criteria provided, single submitter. Criteria: Dines et al. (Genet Med. 2020). Collection method: curation. Allele origin: germline.
Comment: Missense variant in a coldspot region where missense variants are very unlikely to be pathogenic (PMID:31911673).

BRCA1 coldspot (exon 11 using historical exon numbering). Reclassification based on statistical prior probability

Department of Pathology and Laboratory Medicine, Sinai Health System
Classification: Uncertain significance for Familial cancer of breast; Breast-ovarian cancer, familial, susceptibility to, 1; Fanconi anemia, complementation group S. Last evaluated: 2022-06-21. Review status: criteria provided, single submitter. Criteria: ACMG Guidelines, 2015. Collection method: clinical testing. Allele origin: germline. Affected: yes.

Genetic Services Laboratory, University of Chicago
Classification: Uncertain significance. Last evaluated: 2019-08-21. Review status: criteria provided, single submitter. Criteria: ACMG Guidelines, 2015. Collection method: clinical testing. Allele origin: germline. Affected: no.

Women's Health and Genetics/Laboratory Corporation of America, LabCorp
Classification: Uncertain significance. Last evaluated: 2018-08-07. Review status: criteria provided, single submitter. Criteria: LabCorp Variant Classification Summary - May 2015. Collection method: clinical testing. Allele origin: germline.
Comment: Variant summary: BRCA1 c.2342A>C (p.Glu781Ala) results in a non-conservative amino acid change in the encoded protein sequence. Three of five in-silico tools predict a damaging effect of the variant on protein function. The variant was absent in 245548 control chromosomes. The available data on variant occurrences in the general population are insufficient to allow any conclusion about variant significance. To our knowledge, no occurrence of c.2342A>C in individuals affected with Hereditary Breast and Ovarian Cancer and no experimental evidence demonstrating its impact on protein function have been reported. Two clinical diagnostic laboratories have submitted clinical-significance assessments for this variant to ClinVar after 2014 and both classified the variant as uncertain significance. Based on the evidence outlined above, the variant was classified as uncertain significance.

Sharing Clinical Reports Project (SCRP)
Classification: Uncertain significance for Breast-ovarian cancer, familial 1. Last evaluated: 2011-02-17. Review status: no assertion criteria provided. Collection method: clinical testing. Allele origin: germline. Not counted in ClinVar's aggregate classification.

NM_007294.4(BRCA1):c.2342A>C (p.Glu781Ala)

Gene: BRCA1 (BRCA1 DNA repair associated; minus strand). Cytogenetic location: 17q21.31.
Variant type: single nucleotide variant.
Coding change: c.2342A>C on transcript NM_007294.4 (MANE Select); coding-DNA position 2342, A replaced by C.
Protein change: p.Glu781Ala; replaces glutamic acid 781 with alanine.
Molecular consequence: missense variant. On other transcripts: intron variant (137).
Genome position (GRCh38, 1-based): chr17:43,093,189, T>G on the plus strand (A>C on the coding strand, the complement: BRCA1 is on the minus strand). VCF-style: chr17-43093189-T-G. GRCh37 (hg19) VCF-style: chr17-41245206-T-G.
Other names: 2461A>C; c.2129A>C, p.Glu710Ala (NM_001407571.1, NM_001407915.1, NM_001407853.1 and 9 more transcripts); c.2342A>C, p.Glu781Ala (NM_001407581.1, NM_001407582.1, NM_001407583.1 and 30 more transcripts); c.2339A>C, p.Glu780Ala (NM_001407587.1, NM_001407610.1, NM_001407611.1 and 22 more transcripts); c.2216A>C, p.Glu739Ala (NM_001407649.1, NM_001407670.1, NM_001407671.1 and 11 more transcripts); c.2264A>C, p.Glu755Ala (NM_001407653.1, NM_001407654.1, NM_001407655.1 and 4 more transcripts); c.2261A>C, p.Glu754Ala (NM_001407659.1, NM_001407660.1, NM_001407661.1 and 1 more transcripts); c.2219A>C, p.Glu740Ala (NM_001407674.1, NM_001407675.1, NM_001407676.1 and 19 more transcripts); and 42 more; short protein forms E781A, E734A, E613A, E669A, E670A, E693A, E755A, E778A.
Identifiers: ClinVar variation 156186 (VCV000156186.30), dbSNP rs587776482, ClinGen allele CA001564.